The following is an entry in ClinVar:

ClinVar aggregate classification (germline): Uncertain significance (1 of 4 stars; one submission).

Conditions:
Pigmentary pallidal degeneration (NBIA1). Also called: Neuroaxonal dystrophy, late infantile; Hallervorden-Spatz disease; PKAN NEUROAXONAL DYSTROPHY, JUVENILE-ONSET; Pantothenate Kinase-Associated Neurodegeneration; Neurodegeneration with brain iron accumulation 1; HARP SYNDROME. Identifiers: Orphanet 157850, MedGen C0018523, MONDO:0009319, OMIM 234200.

Allele frequency attached by ClinVar (database versions not stated): gnomAD exomes below 0.00001.

Submission:

Labcorp Genetics (formerly Invitae), Labcorp
Classification: Uncertain significance for Pigmentary pallidal degeneration. Last evaluated: 2021-12-22. Review status: criteria provided, single submitter. Criteria: Invitae Variant Classification Sherloc (09022015). Collection method: clinical testing. Allele origin: germline.
Comment: This variant is present in population databases (no rsID available, gnomAD 0.003%). This sequence change replaces alanine, which is neutral and non-polar, with threonine, which is neutral and polar, at codon 509 of the PANK2 protein (p.Ala509Thr). This variant has not been reported in the literature in individuals affected with PANK2-related conditions. Algorithms developed to predict the effect of missense changes on protein structure and function are either unavailable or do not agree on the potential impact of this missense change (SIFT: "Deleterious"; PolyPhen-2: "Probably Damaging"; Align-GVGD: "Class C0"). In summary, the available evidence is currently insufficient to determine the role of this variant in disease. Therefore, it has been classified as a Variant of Uncertain Significance.

NM_001386393.1(PANK2):c.1195G>A (p.Ala399Thr)

Gene: PANK2 (pantothenate kinase 2; plus strand). Cytogenetic location: 20p13.
Variant type: single nucleotide variant.
Coding change: c.1195G>A on transcript NM_001386393.1 (MANE Select); coding-DNA position 1195, G replaced by A.
Protein change: p.Ala399Thr; replaces alanine 399 with threonine.
Molecular consequence: missense variant. On other transcripts: non-coding transcript variant (1).
Genome position (GRCh38, 1-based): chr20:3,917,039, G>A. VCF-style: chr20-3917039-G-A. GRCh37 (hg19) VCF-style: chr20-3897686-G-A.
Other names: c.652G>A, p.Ala218Thr (NM_001324191.2, NM_024960.6, NM_153640.4); c.217G>A, p.Ala73Thr (NM_001324193.2); c.1525G>A, p.Ala509Thr (NM_153638.4); short protein forms A218T, A399T, A73T, A509T.
Identifiers: ClinVar variation 1902158 (VCV001902158.5), dbSNP rs1365352445, ClinGen allele CA408119524.